The following is an entry in ClinVar:

ClinVar aggregate classification (germline): Conflicting classifications of pathogenicity. Review status: criteria provided, conflicting classifications (1 of 4 stars). 2 submissions from 2 submitters: Uncertain significance (1); Likely benign (1). Last evaluated 2025-07-31.

Conditions:
Kleefstra syndrome 1 (KLEFS1). Identifiers: Orphanet 261494, MedGen C0795833, MONDO:0027407, OMIM 610253.

Allele frequency attached by ClinVar (database versions not stated): gnomAD 0.00006; 1000 Genomes Project 0.00020; gnomAD exomes 0.00002; TOPMed 0.00005; ESP Exome Variant Server 0.00008; 1000 Genomes Project 30x 0.00016; ExAC 0.00002.
gnomAD v4.1: 39 of 1,613,782 alleles (0.0024%); highest among the groups gnomAD compares: Middle Eastern, 0.017%; no homozygotes.

Submissions (2):

Labcorp Genetics (formerly Invitae), Labcorp
Classification: Likely benign for Kleefstra syndrome 1. Last evaluated: 2025-07-31. Review status: criteria provided, single submitter. Criteria: Invitae Variant Classification Sherloc (09022015). Collection method: clinical testing. Allele origin: germline.

Women's Health and Genetics/Laboratory Corporation of America, LabCorp
Classification: Uncertain significance. Last evaluated: 2024-12-02. Review status: criteria provided, single submitter. Criteria: LabCorp Variant Classification Summary - May 2015. Collection method: clinical testing. Allele origin: germline.
Comment: Variant summary: EHMT1 c.2508C>T (p.Asp836Asp) alters a conserved nucleotide located close to a canonical splice site and therefore could affect mRNA splicing, leading to a significantly altered protein sequence. Consensus agreement among computation tools predict no significant impact on normal splicing. However, these predictions have yet to be confirmed by functional studies. The variant allele was found at a frequency of 2.4e-05 in 251470 control chromosomes. The available data on variant occurrences in the general population are insufficient to allow any conclusion about variant significance. To our knowledge, no occurrence of c.2508C>T in individuals affected with Kleefstra Syndrome 1 and no experimental evidence demonstrating its impact on protein function have been reported. ClinVar contains an entry for this variant (Variation ID: 1119714). Based on the evidence outlined above, the variant was classified as uncertain significance.

NM_024757.5(EHMT1):c.2508C>T (p.Asp836=)

Gene: EHMT1 (euchromatic histone lysine methyltransferase 1; plus strand). Cytogenetic location: 9q34.3.
Variant type: single nucleotide variant.
Coding change: c.2508C>T on transcript NM_024757.5 (MANE Select); coding-DNA position 2508, C replaced by T.
Protein change: p.Asp836=; no amino-acid change (aspartic acid 836 retained).
Molecular consequence: synonymous variant.
Genome position (GRCh38, 1-based): chr9:137,798,815, C>T. VCF-style: chr9-137798815-C-T. GRCh37 (hg19) VCF-style: chr9-140693267-C-T.
Other names: c.2487C>T, p.Asp829= (NM_001354263.2).
Identifiers: ClinVar variation 1119714 (VCV001119714.10), dbSNP rs371937933, ClinGen allele CA5374981.
Genomic context (GRCh38, chr9:137,798,815, plus strand): 5'-GCTGGCACACCAGGATCACAGGTATGGATTCTTTGACTAAGTGGCATTTCTGTTGCAGGA[C>T]GCAGAGGGCTCTACGTGTTTGCACCTGGCTGCCAAGAAAGGCCACTACGAAGTGGTCCAG-3'
Protein context (NP_079033.4, residues 826-846): IKAGALVDPK[Asp836=]AEGSTCLHLA